The following is an entry in ClinVar:

NM_000709.4(BCKDHA):c.794G>A (p.Arg265Gln)

Gene: BCKDHA (branched chain keto acid dehydrogenase E1 subunit alpha; plus strand). Cytogenetic location: 19q13.2.
Variant type: single nucleotide variant.
Coding change: c.794G>A on transcript NM_000709.4 (MANE Select); coding-DNA position 794, G replaced by A.
Protein change: p.Arg265Gln; replaces arginine 265 with glutamine.
Molecular consequence: missense variant.
Genome position (GRCh38, 1-based): chr19:41,422,311, G>A. VCF-style: chr19-41422311-G-A. GRCh37 (hg19) VCF-style: chr19-41928216-G-A.
Other names: c.794G>A, p.Arg265Gln (NM_001164783.2); short protein forms R265Q.
Identifiers: ClinVar variation 1065902 (VCV001065902.11), dbSNP rs761996996, ClinGen allele CA308524323.

ClinVar aggregate classification (germline): Pathogenic/Likely pathogenic. Review status: criteria provided, multiple submitters, no conflicts (2 of 4 stars). 2 submissions from 2 submitters: Pathogenic (1); Likely pathogenic (1). Last evaluated 2023-06-14.

Conditions:
Maple syrup urine disease (MSUD). Identifiers: Orphanet 511, MedGen C0024776, MeSH D008375, MONDO:0009563. Disease mechanism: loss of function.

gnomAD v4.1: 9 of 1,614,170 alleles (0.00056%); highest among the groups gnomAD compares: South Asian, 0.0011%; no homozygotes.

Submissions (2):

Labcorp Genetics (formerly Invitae), Labcorp
Classification: Pathogenic for Maple syrup urine disease. Last evaluated: 2023-06-14. Review status: criteria provided, single submitter. Criteria: Invitae Variant Classification Sherloc (09022015). Collection method: clinical testing. Allele origin: germline.
Comment: ClinVar contains an entry for this variant (Variation ID: 1065902). For these reasons, this variant has been classified as Pathogenic. This variant disrupts the p.Arg265 amino acid residue in BCKDHA. Other variant(s) that disrupt this residue have been determined to be pathogenic (PMID: 9582350, 22145486). This suggests that this residue is clinically significant, and that variants that disrupt this residue are likely to be disease-causing. Advanced modeling of protein sequence and biophysical properties (such as structural, functional, and spatial information, amino acid conservation, physicochemical variation, residue mobility, and thermodynamic stability) performed at Invitae indicates that this missense variant is expected to disrupt BCKDHA protein function. This missense change has been observed in individual(s) with maple syrup urine disease (PMID: 31112740, 31980395). This variant is not present in population databases (gnomAD no frequency). This sequence change replaces arginine, which is basic and polar, with glutamine, which is neutral and polar, at codon 265 of the BCKDHA protein (p.Arg265Gln).

GeneDx
Classification: Likely pathogenic. Last evaluated: 2022-01-11. Review status: criteria provided, single submitter. Criteria: GeneDx Variant Classification Process June 2021. Collection method: clinical testing. Allele origin: germline. Affected: yes.
Comment: Not observed at significant frequency in large population cohorts (gnomAD); In silico analysis supports that this missense variant has a deleterious effect on protein structure/function; This variant is associated with the following publications: (PMID: 31980395, 31112740, 11069910)

Literature cited by the submitters: PubMed 9582350 (cited by Labcorp Genetics (formerly Invitae), Labcorp); PubMed 22145486 (cited by Labcorp Genetics (formerly Invitae), Labcorp); PubMed 31112740 (cited by Labcorp Genetics (formerly Invitae), Labcorp); PubMed 31980395 (cited by Labcorp Genetics (formerly Invitae), Labcorp).